The following is an entry in ClinVar:

NM_001846.4(COL4A2):c.2414C>T (p.Pro805Leu)

Gene: COL4A2 (collagen type IV alpha 2 chain; plus strand). Cytogenetic location: 13q34.
Variant type: single nucleotide variant.
Coding change: c.2414C>T on transcript NM_001846.4 (MANE Select); coding-DNA position 2414, C replaced by T.
Protein change: p.Pro805Leu; replaces proline 805 with leucine.
Molecular consequence: missense variant.
Genome position (GRCh38, 1-based): chr13:110,473,139, C>T. VCF-style: chr13-110473139-C-T. GRCh37 (hg19) VCF-style: chr13-111125486-C-T.
Other names: c.2414C>T (NM_001846.2); short protein forms P805L.
Identifiers: ClinVar variation 1342434 (VCV001342434.4), dbSNP rs1376206514, ClinGen allele CA388742739.

ClinVar aggregate classification (germline): Uncertain significance. Review status: criteria provided, multiple submitters, no conflicts (2 of 4 stars). 3 submissions from 3 submitters: Uncertain significance (3). Last evaluated 2025-05-18.

Conditions:
Inborn genetic diseases. Identifiers: MedGen C0950123, MeSH D030342.
Brain small vessel disease 2A, autosomal dominant. Also called: Porencephaly 2. Identifiers: Orphanet 2940, Orphanet 99810, MedGen C3280970, MONDO:0013773, OMIM 614483.

Allele frequency attached by ClinVar (database versions not stated): gnomAD exomes 0.00001; gnomAD 0.00001; TOPMed 0.00005.
gnomAD v4.1: 6 of 1,556,284 alleles (0.00039%); highest among the groups gnomAD compares: African/African-American, 0.0027%; no homozygotes.

Submissions (3):

Dasa
Classification: Uncertain significance. Last evaluated: 2025-05-18. Review status: criteria provided, single submitter. Criteria: DASA Assertion Criteria. Collection method: clinical testing. Allele origin: germline.
Comment: NM_001846.4(COL4A2):c.2414C>T (p.Pro805Leu) is a missense variant that results in the substitution of proline with leucine. This variant is rare in population databases. The currently available literature and clinical evidence are not sufficient to establish a definitive association between this variant and the reported condition. Therefore, this variant is classified as a variant of uncertain significance.

Ambry Genetics
Classification: Uncertain significance for Inborn genetic diseases. Last evaluated: 2025-04-03. Review status: criteria provided, single submitter. Criteria: Ambry Variant Classification Scheme 2023. Collection method: clinical testing. Allele origin: germline.

New York Genome Center
Classification: Uncertain significance for Brain small vessel disease 2A, autosomal dominant. Last evaluated: 2021-04-09. Review status: criteria provided, single submitter. Criteria: NYGC Assertion Criteria 2020. Collection method: clinical testing. Allele origin: inherited. Observed: 1 heterozygote. Study: CSER-NYCKidSeq.